The following is an entry in ClinVar:

NM_001267550.2(TTN):c.64175G>A (p.Arg21392His)

Genes: TTN (titin; minus strand), TTN-AS1 (TTN antisense RNA 1; plus strand). Cytogenetic location: 2q31.2.
Variant type: single nucleotide variant.
Coding change: c.64175G>A on transcript NM_001267550.2 (MANE Select); coding-DNA position 64175, G replaced by A.
Protein change: p.Arg21392His; replaces arginine 21392 with histidine.
Molecular consequence: missense variant.
Genome position (GRCh38, 1-based): chr2:178,586,726, C>T on the plus strand (G>A on the coding strand, the complement: TTN is on the minus strand). VCF-style: chr2-178586726-C-T. GRCh37 (hg19) VCF-style: chr2-179451453-C-T.
Other names: c.59252G>A, p.Arg19751His (NM_001256850.1); c.36980G>A, p.Arg12327His (NM_003319.4); c.56471G>A, p.Arg18824His (NM_133378.4); c.37355G>A, p.Arg12452His (NM_133432.3); c.37556G>A, p.Arg12519His (NM_133437.4); short protein forms R21392H, R19751H, R18824H, R12327H, R12452H, R12519H.
Identifiers: ClinVar variation 404760 (VCV000404760.12), dbSNP rs777176324, ClinGen allele CA1991939.

ClinVar aggregate classification (germline): Conflicting classifications of pathogenicity. Review status: criteria provided, conflicting classifications (1 of 4 stars). 5 submissions from 5 submitters: Uncertain significance (3); Likely benign (2). Last evaluated 2026-04-04.

Conditions:
TTN-related disorder. Also called: TTN-related disorders; TTN-related condition; TTN-related disease.
Autosomal recessive limb-girdle muscular dystrophy type 2J (LGMDR10). Also called: Limb-girdle muscular dystrophy, type 2J; MUSCULAR DYSTROPHY, LIMB-GIRDLE, AUTOSOMAL RECESSIVE 10. Identifiers: Orphanet 140922, MedGen C1837342, MONDO:0012127, OMIM 608807.
Dilated cardiomyopathy 1G (CMD1G). Identifiers: Orphanet 154, MedGen C1858763, MONDO:0011400, OMIM 604145.

Allele frequency attached by ClinVar (database versions not stated): gnomAD 0.00006; ExAC 0.00008; TOPMed 0.00009.
gnomAD v4.1: 83 of 1,612,996 alleles (0.0051%); highest among the groups gnomAD compares: Admixed American, 0.017%; no homozygotes.

Submissions (5):

PreventionGenetics, part of Exact Sciences
Classification: Uncertain significance for TTN-related condition. Last evaluated: 2026-04-04. Review status: criteria provided, single submitter. Criteria: ACMG Guidelines, 2015. Collection method: clinical testing. Allele origin: germline.
Comment: The TTN c.64175G>A variant is predicted to result in the amino acid substitution p.Arg21392His. To our knowledge, this variant has not been reported in the literature. This variant is reported in 0.020% of alleles in individuals of Latino descent in gnomAD. At this time, the clinical significance of this variant is uncertain due to the absence of conclusive functional and genetic evidence.

Blueprint Genetics
Classification: Likely benign. Last evaluated: 2024-08-06. Review status: criteria provided, single submitter. Criteria: ACMG Guidelines, 2015. Collection method: clinical testing. Allele origin: germline.

GeneDx
Classification: Likely benign. Last evaluated: 2019-10-31. Review status: criteria provided, single submitter. Criteria: GeneDx Variant Classification Process June 2021. Collection method: clinical testing. Allele origin: germline. Affected: yes.

Labcorp Genetics (formerly Invitae), Labcorp
Classification: Uncertain significance for Dilated cardiomyopathy 1G; Autosomal recessive limb-girdle muscular dystrophy type 2J. Last evaluated: 2017-11-10. Review status: criteria provided, single submitter. Criteria: Invitae Variant Classification Sherloc (09022015). Collection method: clinical testing. Allele origin: germline.

Eurofins Ntd Llc (ga)
Classification: Uncertain significance. Last evaluated: 2016-09-28. Review status: criteria provided, single submitter. Criteria: EGL Classification Definitions 2015. Collection method: clinical testing. Allele origin: germline. Observed: 1 variant allele, 1 heterozygote.